The following is an entry in ClinVar:

ClinVar aggregate classification (germline): Pathogenic (1 of 4 stars; one submission).

Conditions:
Spastic paraplegia. Identifiers: MedGen C0037772, HP:0001258.

Submission:

Labcorp Genetics (formerly Invitae), Labcorp
Classification: Pathogenic for Spastic paraplegia. Last evaluated: 2022-04-21. Review status: criteria provided, single submitter. Criteria: Invitae Variant Classification Sherloc (09022015). Collection method: clinical testing. Allele origin: germline.
Comment: This variant has not been reported in the literature in individuals affected with ZFYVE26-related conditions. For these reasons, this variant has been classified as Pathogenic. This variant is not present in population databases (gnomAD no frequency). This sequence change creates a premature translational stop signal (p.Gln2049Hisfs*42) in the ZFYVE26 gene. It is expected to result in an absent or disrupted protein product. Loss-of-function variants in ZFYVE26 are known to be pathogenic (PMID: 18394578, 19805727).

Literature cited by the submitters: PubMed 18394578; PubMed 19805727.

NM_015346.4(ZFYVE26):c.6147del (p.Gln2049fs)

Gene: ZFYVE26 (zinc finger FYVE-type containing 26; minus strand). Cytogenetic location: 14q24.1.
Variant type: Deletion.
Coding change: c.6147del on transcript NM_015346.4 (MANE Select); coding-DNA position 6147, one base deleted (A; older notation c.6147delA).
Protein change: p.Gln2049fs; shifts the reading frame from glutamine 2049.
Molecular consequence: frameshift variant.
Genome position (GRCh38, 1-based): chr14:67,762,684, T deleted on the plus strand (A on the coding strand, the reverse complement: ZFYVE26 is on the minus strand); the first of 2 consecutive T bases (chr14:67,762,684-67,762,685); deleting either gives the same sequence. VCF-style (leftmost placement, unchanged base first): chr14-67762683-GT-G. GRCh37 (hg19) VCF-style: chr14-68229400-GT-G.
Other names: short protein forms Q2049fs.
Identifiers: ClinVar variation 2161590 (VCV002161590.5), dbSNP rs2503968954, ClinGen allele CA2580088625.